The following is an entry in ClinVar:

ClinVar aggregate classification (germline): Uncertain significance (1 of 4 stars; one submission).

Conditions:
Hereditary sensory neuropathy-deafness-dementia syndrome. Also called: NEUROPATHY, HEREDITARY SENSORY, WITH HEARING LOSS AND DEMENTIA; Hereditary sensory neuropathy type IE; Hereditary Sensory and Autonomic Neuropathy Type 1E (HSAN1E); HSN IE. Identifiers: Orphanet 456318, MedGen C3279885, MONDO:0013584, OMIM 614116.

Allele frequency attached by ClinVar (database versions not stated): gnomAD exomes below 0.00001 and 0.00002; gnomAD 0.00001; ExAC 0.00002; TOPMed 0.00002.
gnomAD v4.1: 23 of 1,613,924 alleles (0.0014%); highest among the groups gnomAD compares: Middle Eastern, 0.049%; 1 homozygote.

Submission:

Labcorp Genetics (formerly Invitae), Labcorp
Classification: Uncertain significance for Hereditary sensory neuropathy-deafness-dementia syndrome. Last evaluated: 2020-12-21. Review status: criteria provided, single submitter. Criteria: Invitae Variant Classification Sherloc (09022015). Collection method: clinical testing. Allele origin: germline.
Comment: This variant has not been reported in the literature in individuals with DNMT1-related conditions. This variant is present in population databases (rs758882865, ExAC 0.01%). This sequence change replaces alanine with valine at codon 1049 of the DNMT1 protein (p.Ala1049Val). The alanine residue is moderately conserved and there is a small physicochemical difference between alanine and valine. Algorithms developed to predict the effect of missense changes on protein structure and function are either unavailable or do not agree on the potential impact of this missense change (SIFT: "Deleterious"; PolyPhen-2: "Benign"; Align-GVGD: "Class C0"). In summary, the available evidence is currently insufficient to determine the role of this variant in disease. Therefore, it has been classified as a Variant of Uncertain Significance. Algorithms developed to predict the effect of sequence changes on RNA splicing suggest that this variant may create or strengthen a splice site, but this prediction has not been confirmed by published transcriptional studies.

NM_001130823.3(DNMT1):c.3146C>T (p.Ala1049Val)

Gene: DNMT1 (DNA methyltransferase 1; minus strand). Cytogenetic location: 19p13.2.
Variant type: single nucleotide variant.
Coding change: c.3146C>T on transcript NM_001130823.3 (MANE Select); coding-DNA position 3146, C replaced by T.
Protein change: p.Ala1049Val; replaces alanine 1049 with valine.
Molecular consequence: missense variant.
Genome position (GRCh38, 1-based): chr19:10,142,191, G>A on the plus strand (C>T on the coding strand, the complement: DNMT1 is on the minus strand). VCF-style: chr19-10142191-G-A. GRCh37 (hg19) VCF-style: chr19-10252867-G-A.
Other names: c.3098C>T, p.Ala1033Val (NM_001318730.2, NM_001379.4); c.2783C>T, p.Ala928Val (NM_001318731.2); short protein forms A928V, A1033V, A1049V.
Identifiers: ClinVar variation 972131 (VCV000972131.8), dbSNP rs758882865, ClinGen allele CA9187829.